The following is an entry in ClinVar:

NM_001754.5(RUNX1):c.458del (p.Asn153fs)

Genes: RUNX1 (RUNX family transcription factor 1; minus strand), RUNX1-AS1 (RUNX1 antisense RNA 1; plus strand). Cytogenetic location: 21q22.12.
Variant type: Deletion.
Coding change: c.458del on transcript NM_001754.5 (MANE Select); coding-DNA position 458, one base deleted (A; older notation c.458delA).
Protein change: p.Asn153fs; shifts the reading frame from asparagine 153.
Molecular consequence: frameshift variant.
Genome position (GRCh38, 1-based): chr21:34,880,607, T deleted on the plus strand (A on the coding strand, the reverse complement: RUNX1 is on the minus strand); the first of 2 consecutive T bases (chr21:34,880,607-34,880,608); deleting either gives the same sequence. VCF-style (leftmost placement, unchanged base first): chr21-34880606-GT-G. GRCh37 (hg19) VCF-style: chr21-36252903-GT-G.
Other names: NM_001754.5(RUNX1):c.458del; p.Asn153fs; c.377del, p.Asn126fs (NM_001001890.3, NM_001122607.2); short protein forms N153fs, N126fs.
Identifiers: ClinVar variation 2852907 (VCV002852907.4), dbSNP rs2517438095, ClinGen allele CA2739267617.

ClinVar aggregate classification (germline): Pathogenic. Review status: reviewed by expert panel (3 of 4 stars). 2 submissions from 2 submitters: Pathogenic (1). 1 of the submissions does not count toward it. Last evaluated 2025-01-15.

Conditions:
Hereditary thrombocytopenia and hematologic cancer predisposition syndrome. Identifiers: Orphanet 71290, MedGen CN281654, MONDO:0011071.
Hereditary thrombocytopenia and hematological cancer predisposition syndrome associated with RUNX1. Also called: Familial Platelet Disorder with Propensity to Acute Myelogenous Leukemia; Familial thrombocytopenia with propensity to acute myelogenous leukemia; PLATELET DISORDER, ASPIRIN-LIKE; RUNX1 Familial Platelet Disorder with Associated Myeloid Malignancies. Identifiers: Orphanet 71290, MedGen C1832388, MeSH C563324, MONDO:0100083, OMIM 601399.

Submissions (2):

ClinGen Myeloid Malignancy Variant Curation Expert Panel
Classification: Pathogenic for Hereditary thrombocytopenia and hematologic cancer predisposition syndrome. Last evaluated: 2025-01-15. Review status: reviewed by expert panel. Criteria: ClinGen MyeloMalig ACMG Specifications v2. Collection method: curation. Allele origin: germline. Inheritance: Autosomal dominant inheritance.
Comment: NM_001754.5(RUNX1):c.458del (p.Asn153fs) is a frameshift variant resulting in exon deletion that is predicted to undergo nonsense mediated decay (PVS1, PM5_supporting). This variant is completely absent from all population databases with at least 20x coverage for RUNX1 in gnomAD v2.1.1 and v3.1.2 (PM2_supporting). This variant was reported in ClinVar in 2023 by Invitae but the affected status of the proband is unknown (Variation ID 2852907). In summary, this variant meets criteria to be classified as pathogenic. ACMG/AMP criteria applied, as specified by the Myeloid Malignancy Variant Curation Expert Panel for RUNX1: PM2_supporting, PM5_supporting, PVS1.

Labcorp Genetics (formerly Invitae), Labcorp
Classification: Pathogenic for Hereditary thrombocytopenia and hematological cancer predisposition syndrome associated with RUNX1. Last evaluated: 2023-04-06. Review status: criteria provided, single submitter. Criteria: Invitae Variant Classification Sherloc (09022015). Collection method: clinical testing. Allele origin: germline. Not counted in ClinVar's aggregate classification.
Comment: This variant has not been reported in the literature in individuals affected with RUNX1-related conditions. This sequence change creates a premature translational stop signal (p.Asn153Thrfs*23) in the RUNX1 gene. It is expected to result in an absent or disrupted protein product. Loss-of-function variants in RUNX1 are known to be pathogenic (PMID: 18723428, 24100448). This variant is not present in population databases (gnomAD no frequency). For these reasons, this variant has been classified as Pathogenic.

Literature cited by the submitters: PubMed 18723428 (cited by Labcorp Genetics (formerly Invitae), Labcorp); PubMed 24100448 (cited by Labcorp Genetics (formerly Invitae), Labcorp).